The following is an entry in ClinVar:

NM_052947.4(ALPK2):c.4416A>C (p.Glu1472Asp)

Genes: ALPK2 (alpha kinase 2; minus strand), LOC126862764 (BRD4-independent group 4 enhancer GRCh37_chr18:56202574-56203773; plus strand). Cytogenetic location: 18q21.31.
Variant type: single nucleotide variant.
Coding change: c.4416A>C on transcript NM_052947.4 (MANE Select); coding-DNA position 4416, A replaced by C.
Protein change: p.Glu1472Asp; replaces glutamic acid 1472 with aspartic acid.
Molecular consequence: missense variant.
Genome position (GRCh38, 1-based): chr18:58,535,771, T>G on the plus strand (A>C on the coding strand, the complement: ALPK2 is on the minus strand). VCF-style: chr18-58535771-T-G. GRCh37 (hg19) VCF-style: chr18-56203003-T-G.
Other names: short protein forms E1472D.
Identifiers: ClinVar variation 1740435 (VCV001740435.2), dbSNP rs1321603195, ClinGen allele CA402562632.

ClinVar aggregate classification (germline): Uncertain significance (1 of 4 stars; one submission).

Allele frequency attached by ClinVar (database versions not stated): gnomAD exomes below 0.00001; TOPMed below 0.00001; gnomAD 0.00001.
gnomAD v4.1: 2 of 1,614,136 alleles (0.00012%); highest among the groups gnomAD compares: Non-Finnish European, 0.00017%; no homozygotes.

Submission:

Ambry Genetics
Classification: Uncertain significance. Last evaluated: 2022-02-06. Review status: criteria provided, single submitter. Criteria: Ambry Variant Classification Scheme 2023. Collection method: clinical testing. Allele origin: germline.
Comment: The p.E1472D variant (also known as c.4416A>C), located in coding exon 4 of the ALPK2 gene, results from an A to C substitution at nucleotide position 4416. The glutamic acid at codon 1472 is replaced by aspartic acid, an amino acid with highly similar properties. This amino acid position is conserved. In addition, this alteration is predicted to be tolerated by in silico analysis. Since supporting evidence is limited at this time, the clinical significance of this alteration remains unclear.